The following is an entry in ClinVar:

ClinVar aggregate classification (germline): Pathogenic. Review status: criteria provided, multiple submitters, no conflicts (2 of 4 stars). 3 submissions from 3 submitters: Pathogenic (2). 1 of the submissions does not count toward it. Last evaluated 2024-06-17.

Conditions:
Tuberous sclerosis syndrome (TSC). Also called: Tuberous Sclerosis Complex; Tuberous sclerosis. Identifiers: Orphanet 805, MedGen C0041341, MONDO:0001734.
Tuberous sclerosis 2 (TSC2). Identifiers: Orphanet 805, MedGen C1860707, MONDO:0013199, OMIM 613254.

Submissions (3):

Institute of Human Genetics Munich, TUM University Hospital
Classification: Pathogenic for Tuberous sclerosis 2. Last evaluated: 2024-06-17. Review status: criteria provided, single submitter. Criteria: Classification criteria August 2017. Collection method: clinical testing. Allele origin: germline. Inheritance: Autosomal dominant inheritance. Affected: yes. Observed: 1 variant allele.

Labcorp Genetics (formerly Invitae), Labcorp
Classification: Pathogenic for Tuberous sclerosis 2. Last evaluated: 2023-04-04. Review status: criteria provided, single submitter. Criteria: Invitae Variant Classification Sherloc (09022015). Collection method: clinical testing. Allele origin: germline.
Comment: This sequence change replaces threonine, which is neutral and polar, with isoleucine, which is neutral and non-polar, at codon 1068 of the TSC2 protein (p.Thr1068Ile). This variant is not present in population databases (gnomAD no frequency). This missense change has been observed in individual(s) with clinical features of tuberous sclerosis complex (PMID: 21309039; Invitae). In at least one individual the variant was observed to be de novo. ClinVar contains an entry for this variant (Variation ID: 65377). Advanced modeling of protein sequence and biophysical properties (such as structural, functional, and spatial information, amino acid conservation, physicochemical variation, residue mobility, and thermodynamic stability) has been performed at Invitae for this missense variant, however the output from this modeling did not meet the statistical confidence thresholds required to predict the impact of this variant on TSC2 protein function. Experimental studies have shown that this missense change affects TSC2 function (PMID: 18854862). This variant disrupts the p.Thr1068 amino acid residue in TSC2. Other variant(s) that disrupt this residue have been determined to be pathogenic (PMID: 21520333; Invitae). This suggests that this residue is clinically significant, and that variants that disrupt this residue are likely to be disease-causing. For these reasons, this variant has been classified as Pathogenic.

Tuberous sclerosis database (TSC2)
No classification provided. Condition: TSC. Review status: no classification provided. Criteria: Tuberous Sclerosis Database Assertion Criteria 2015. Collection method: curation. Allele origin: germline. Affected: yes. Not counted in ClinVar's aggregate classification.

Literature cited by the submitters: PubMed 21309039 (cited by Labcorp Genetics (formerly Invitae), Labcorp); PubMed 18854862 (cited by Labcorp Genetics (formerly Invitae), Labcorp); PubMed 21520333 (cited by Labcorp Genetics (formerly Invitae), Labcorp).

NM_000548.5(TSC2):c.3203C>T (p.Thr1068Ile)

Gene: TSC2 (TSC complex subunit 2; plus strand). Cytogenetic location: 16p13.3.
Variant type: single nucleotide variant.
Coding change: c.3203C>T on transcript NM_000548.5 (MANE Select); coding-DNA position 3203, C replaced by T.
Protein change: p.Thr1068Ile; replaces threonine 1068 with isoleucine.
Molecular consequence: missense variant.
Genome position (GRCh38, 1-based): chr16:2,079,347, C>T. VCF-style: chr16-2079347-C-T. GRCh37 (hg19) VCF-style: chr16-2129348-C-T.
Other names: c.3071C>T, p.Thr1024Ile (NM_001077183.3, NM_001370404.1); c.3203C>T, p.Thr1068Ile (NM_001114382.3); c.2963C>T, p.Thr988Ile (NM_001318827.2); c.2927C>T, p.Thr976Ile (NM_001318829.2); c.2471C>T, p.Thr824Ile (NM_001318831.2); c.3104C>T, p.Thr1035Ile (NM_001318832.2); c.3074C>T, p.Thr1025Ile (NM_001363528.2, NM_001370405.1, NM_021055.3); short protein forms T1068I, T824I, T976I, T1024I, T988I, T1025I, T1035I.
Identifiers: ClinVar variation 65377 (VCV000065377.14), dbSNP rs397515284, ClinGen allele CA018678.